The following is an entry in ClinVar:

NM_001378452.1(ITPR1):c.1240G>T (p.Val414Leu)

Gene: ITPR1 (inositol 1,4,5-trisphosphate receptor type 1; plus strand). Cytogenetic location: 3p26.1.
Variant type: single nucleotide variant.
Coding change: c.1240G>T on transcript NM_001378452.1 (MANE Select); coding-DNA position 1240, G replaced by T.
Protein change: p.Val414Leu; replaces valine 414 with leucine.
Molecular consequence: missense variant.
Genome position (GRCh38, 1-based): chr3:4,661,076, G>T. VCF-style: chr3-4661076-G-T. GRCh37 (hg19) VCF-style: chr3-4702760-G-T.
Other names: c.1240G>T, p.Val414Leu (NM_001099952.4); c.1195G>T, p.Val399Leu (NM_001168272.2, NM_002222.7); short protein forms V399L, V414L.
Identifiers: ClinVar variation 2813209 (VCV002813209.3), dbSNP rs1462970629, ClinGen allele CA351640381.

ClinVar aggregate classification (germline): Uncertain significance (1 of 4 stars; one submission).

Submission:

Labcorp Genetics (formerly Invitae), Labcorp
Classification: Uncertain significance. Last evaluated: 2023-05-05. Review status: criteria provided, single submitter. Criteria: Invitae Variant Classification Sherloc (09022015). Collection method: clinical testing. Allele origin: germline.
Comment: This variant is not present in population databases (gnomAD no frequency). In summary, the available evidence is currently insufficient to determine the role of this variant in disease. Therefore, it has been classified as a Variant of Uncertain Significance. Advanced modeling of protein sequence and biophysical properties (such as structural, functional, and spatial information, amino acid conservation, physicochemical variation, residue mobility, and thermodynamic stability) has been performed at Invitae for this missense variant, however the output from this modeling did not meet the statistical confidence thresholds required to predict the impact of this variant on ITPR1 protein function. This variant has not been reported in the literature in individuals affected with ITPR1-related conditions. This sequence change replaces valine, which is neutral and non-polar, with leucine, which is neutral and non-polar, at codon 399 of the ITPR1 protein (p.Val399Leu).